The following is an entry in ClinVar:

NM_030632.3(ASXL3):c.1245G>T (p.Glu415Asp)

Gene: ASXL3 (ASXL transcriptional regulator 3; plus strand). Cytogenetic location: 18q12.1.
Variant type: single nucleotide variant.
Coding change: c.1245G>T on transcript NM_030632.3 (MANE Select); coding-DNA position 1245, G replaced by T.
Protein change: p.Glu415Asp; replaces glutamic acid 415 with aspartic acid.
Molecular consequence: missense variant.
Genome position (GRCh38, 1-based): chr18:33,738,649, G>T. VCF-style: chr18-33738649-G-T. GRCh37 (hg19) VCF-style: chr18-31318613-G-T.
Other names: c.1245G>T (NM_030632.2); short protein forms E415D.
Identifiers: ClinVar variation 1272235 (VCV001272235.7), dbSNP rs369775948, ClinGen allele CA8933731.

ClinVar aggregate classification (germline): Benign/Likely benign. Review status: criteria provided, multiple submitters, no conflicts (2 of 4 stars). 4 submissions from 4 submitters: Benign (1); Likely benign (2). 1 of the submissions does not count toward it. Last evaluated 2024-10-17.

Conditions:
Inborn genetic diseases. Identifiers: MedGen C0950123, MeSH D030342.
ASXL3-related disorder. Also called: ASXL3-related condition. Identifiers: MedGen CN381524.

Allele frequency attached by ClinVar (database versions not stated): 1000 Genomes Project 0.00040; 1000 Genomes Project 30x 0.00047.
gnomAD v4.1: 95 of 1,613,962 alleles (0.0059%); highest among the groups gnomAD compares: East Asian, 0.053%; no homozygotes.

Submissions (4):

Blueprint Genetics
Classification: Likely benign. Last evaluated: 2024-10-17. Review status: criteria provided, single submitter. Criteria: ACMG Guidelines, 2015. Collection method: clinical testing. Allele origin: germline.

Ambry Genetics
Classification: Likely benign for Inborn genetic diseases. Last evaluated: 2022-06-15. Review status: criteria provided, single submitter. Criteria: Ambry Variant Classification Scheme 2023. Collection method: clinical testing. Allele origin: germline.

GeneDx
Classification: Benign. Last evaluated: 2021-01-19. Review status: criteria provided, single submitter. Criteria: GeneDx Variant Classification Process June 2021. Collection method: clinical testing. Allele origin: germline. Affected: yes.

PreventionGenetics, part of Exact Sciences
Classification: Likely benign for ASXL3-related condition. Last evaluated: 2023-01-03. Review status: no assertion criteria provided. Collection method: clinical testing. Allele origin: germline. Not counted in ClinVar's aggregate classification.
Comment: This variant is classified as likely benign based on ACMG/AMP sequence variant interpretation guidelines (Richards et al. 2015 PMID: 25741868, with internal and published modifications).